The following is an entry in ClinVar:

ClinVar aggregate classification (germline): Uncertain significance (1 of 4 stars; one submission).

Conditions:
Gastrointestinal stromal tumor. Also called: Gastrointestinal stroma tumor; Gastrointestinal stromal tumor, somatic. Identifiers: Orphanet 44890, MedGen C0238198, MeSH D046152, MONDO:0011719, OMIM 606764, HP:0100723.

Submission:

Labcorp Genetics (formerly Invitae), Labcorp
Classification: Uncertain significance for Gastrointestinal stromal tumor. Last evaluated: 2020-12-24. Review status: criteria provided, single submitter. Criteria: Invitae Variant Classification Sherloc (09022015). Collection method: clinical testing. Allele origin: germline.
Comment: In summary, the available evidence is currently insufficient to determine the role of this variant in disease. Therefore, it has been classified as a Variant of Uncertain Significance. Algorithms developed to predict the effect of missense changes on protein structure and function are either unavailable or do not agree on the potential impact of this missense change (SIFT: "Tolerated"; PolyPhen-2: "Possibly Damaging"; Align-GVGD: "Class C0"). This variant has not been reported in the literature in individuals with PDGFRA-related conditions. This variant is not present in population databases (ExAC no frequency). This sequence change replaces leucine with valine at codon 9 of the PDGFRA protein (p.Leu9Val). The leucine residue is highly conserved and there is a small physicochemical difference between leucine and valine.

NM_006206.6(PDGFRA):c.25C>G (p.Leu9Val)

Gene: PDGFRA (platelet derived growth factor receptor alpha; plus strand). Cytogenetic location: 4q12.
Variant type: single nucleotide variant.
Coding change: c.25C>G on transcript NM_006206.6 (MANE Select); coding-DNA position 25, C replaced by G.
Protein change: p.Leu9Val; replaces leucine 9 with valine.
Molecular consequence: missense variant.
Genome position (GRCh38, 1-based): chr4:54,258,793, C>G. VCF-style: chr4-54258793-C-G. GRCh37 (hg19) VCF-style: chr4-55124960-C-G.
Other names: c.25C>G, p.Leu9Val (NM_001347827.2, NM_001347829.2); c.100C>G, p.Leu34Val (NM_001347828.2); c.64C>G, p.Leu22Val (NM_001347830.2); short protein forms L22V, L34V, L9V.
Identifiers: ClinVar variation 1497193 (VCV001497193.8), dbSNP rs375117626, ClinGen allele CA356888082.